The following is an entry in ClinVar:

ClinVar aggregate classification (germline): Uncertain significance (1 of 4 stars; one submission).

Conditions:
PRPH2-related disorder. Also called: PRPH2-related condition; PRPH2-related disorders. Identifiers: MedGen CN239395.

Submission:

Labcorp Genetics (formerly Invitae), Labcorp
Classification: Uncertain significance for PRPH2-related disorder. Last evaluated: 2021-11-11. Review status: criteria provided, single submitter. Criteria: Invitae Variant Classification Sherloc (09022015). Collection method: clinical testing. Allele origin: germline.
Comment: This sequence change replaces arginine, which is basic and polar, with proline, which is neutral and non-polar, at codon 284 of the PRPH2 protein (p.Arg284Pro). This variant is not present in population databases (gnomAD no frequency). This variant has not been reported in the literature in individuals affected with PRPH2-related conditions. Advanced modeling of protein sequence and biophysical properties (such as structural, functional, and spatial information, amino acid conservation, physicochemical variation, residue mobility, and thermodynamic stability) performed at Invitae indicates that this missense variant is expected to disrupt PRPH2 protein function. In summary, the available evidence is currently insufficient to determine the role of this variant in disease. Therefore, it has been classified as a Variant of Uncertain Significance.

NM_000322.5(PRPH2):c.851G>C (p.Arg284Pro)

Gene: PRPH2 (peripherin 2; minus strand). Cytogenetic location: 6p21.1.
Variant type: single nucleotide variant.
Coding change: c.851G>C on transcript NM_000322.5 (MANE Select); coding-DNA position 851, G replaced by C.
Protein change: p.Arg284Pro; replaces arginine 284 with proline.
Molecular consequence: missense variant.
Genome position (GRCh38, 1-based): chr6:42,698,485, C>G on the plus strand (G>C on the coding strand, the complement: PRPH2 is on the minus strand). VCF-style: chr6-42698485-C-G. GRCh37 (hg19) VCF-style: chr6-42666223-C-G.
Other names: short protein forms R284P.
Identifiers: ClinVar variation 1464127 (VCV001464127.6), dbSNP rs962365465, ClinGen allele CA364133486.